The following is an entry in ClinVar:

ClinVar aggregate classification (germline): Likely pathogenic (1 of 4 stars; one submission).

Conditions:
Exostoses, multiple, type 1 (EXT1). Also called: EXOSTOSES, MULTIPLE, TYPE I; Hereditary Multiple Osteochondromatosis, Type I. Identifiers: MedGen CN263289, MONDO:0007585, OMIM 133700.

Submission:

3billion
Classification: Likely pathogenic for Exostoses, multiple, type 1. Last evaluated: 2022-03-22. Review status: criteria provided, single submitter. Criteria: ACMG Guidelines, 2015. Collection method: clinical testing. Allele origin: germline. Affected: yes. Observed: 1 heterozygote.
Comment: Frameshift: predicted to result in a loss or disruption of normal protein function through nonsense-mediated decay (NMD) or protein truncation. Multiple pathogenic variants are reported downstream of the variant.It is not observed in the gnomAD v2.1.1 dataset. Therefore, this variant is classified as likely pathogenic according to the recommendation of ACMG/AMP guideline.

NM_000127.3(EXT1):c.611_614dup (p.Glu205fs)

Gene: EXT1 (exostosin glycosyltransferase 1; minus strand). Cytogenetic location: 8q24.11.
Variant type: Duplication.
Coding change: c.611_614dup on transcript NM_000127.3 (MANE Select); coding-DNA positions 611 to 614, 4 bases duplicated (CCGA; older notation c.611_614dupCCGA).
Protein change: p.Glu205fs; shifts the reading frame from glutamic acid 205.
Molecular consequence: frameshift variant.
Genome position (GRCh38, 1-based): chr8:118,110,433-118,110,436, TCGG duplicated on the plus strand (CCGA on the coding strand, the reverse complement: EXT1 is on the minus strand); duplicating any 4 consecutive bases within chr8:118,110,433-118,110,437 gives the same sequence; the c. name uses the placement nearest the transcript's 3' end. VCF-style (leftmost placement, unchanged base first): chr8-118110432-C-CTCGG. GRCh37 (hg19) VCF-style: chr8-119122671-C-CTCGG.
Other names: short protein forms E205fs.
Identifiers: ClinVar variation 1526067 (VCV001526067.1), dbSNP rs2130042673, ClinGen allele CA2573142830.
Genomic context (GRCh38, chr8:118,110,432, plus strand): 5'-GTTTTCAGTACTGATGCTGGCTTTGGCCAGCATCGCCTGGCCGATGTCAAACCCCACGTC[C>CTCGG]TCGGTGTAGTCAGGCCAAGTGCCGGAATATAAATTAAAAATTAAATGATTCCTACCATTG-3'